The following is an entry in ClinVar:

NM_001282468.3(GOLGA8M):c.407A>G (p.Gln136Arg)

Gene: GOLGA8M (golgin A8 family member M; minus strand). Cytogenetic location: 15q13.1.
Variant type: single nucleotide variant.
Coding change: c.407A>G on transcript NM_001282468.3 (MANE Select); coding-DNA position 407, A replaced by G.
Protein change: p.Gln136Arg; replaces glutamine 136 with arginine.
Molecular consequence: missense variant.
Genome position (GRCh38, 1-based): chr15:28,708,027, T>C on the plus strand (A>G on the coding strand, the complement: GOLGA8M is on the minus strand). VCF-style: chr15-28708027-T-C. GRCh37 (hg19) VCF-style: chr15-28953173-T-C.
Other names: short protein forms Q136R.
Identifiers: ClinVar variation 3777845 (VCV003777845.7).

ClinVar aggregate classification (germline): Likely benign (1 of 4 stars; one submission).

gnomAD v4.1: 3,671 of 1,592,150 alleles (0.23%); highest among the groups gnomAD compares: Non-Finnish European, 0.27%; 136 homozygotes.

Submission:

CeGaT Center for Human Genetics Tuebingen
Classification: Likely benign. Last evaluated: 2025-03-01. Review status: criteria provided, single submitter. Criteria: CeGaT Center For Human Genetics Tuebingen Variant Classification Criteria Version 2. Collection method: clinical testing. Allele origin: germline. Affected: yes. Observed: 1 variant allele.
Comment: GOLGA8M: BP4, BS2